The following is an entry in ClinVar:

ClinVar aggregate classification (germline): Benign/Likely benign. Review status: criteria provided, multiple submitters, no conflicts (2 of 4 stars). 3 submissions from 3 submitters: Benign (1); Likely benign (1). 1 of the submissions does not count toward it. Last evaluated 2024-11-26.

Conditions:
HAVCR2-related disorder. Also called: HAVCR2-related condition.

Submissions (3):

Blueprint Genetics
Classification: Likely benign. Last evaluated: 2024-11-26. Review status: criteria provided, single submitter. Criteria: ACMG Guidelines, 2015. Collection method: clinical testing. Allele origin: germline.

CeGaT Center for Human Genetics Tuebingen
Classification: Benign. Last evaluated: 2022-03-01. Review status: criteria provided, single submitter. Criteria: CeGaT Center For Human Genetics Tuebingen Variant Classification Criteria Version 2. Collection method: clinical testing. Allele origin: germline. Affected: yes. Observed: 1 variant allele.
Comment: HAVCR2: BS1, BS2

PreventionGenetics, part of Exact Sciences
Classification: Likely benign for HAVCR2-related condition. Last evaluated: 2024-07-25. Review status: no assertion criteria provided. Collection method: clinical testing. Allele origin: germline. Not counted in ClinVar's aggregate classification.
Comment: This variant is classified as likely benign based on ACMG/AMP sequence variant interpretation guidelines (Richards et al. 2015 PMID: 25741868, with internal and published modifications).

NM_032782.5(HAVCR2):c.479-30CT[9]

Gene: HAVCR2 (hepatitis A virus cellular receptor 2; minus strand). Cytogenetic location: 5q33.3.
Variant type: Microsatellite.
Coding change: c.479-30CT[9] on transcript NM_032782.5 (MANE Select); nine copies in a row of the 2-base unit CT starting at c.479-30; the reference has 11 copies in a row; two copies, 4 bases deleted.
Molecular consequence: intron variant.
Genome position (GRCh38, 1-based): chr5:157,098,910-157,098,913, AGAG deleted on the plus strand (CTCT on the coding strand, the reverse complement: HAVCR2 is on the minus strand); deleting any 4 consecutive bases within chr5:157,098,910-157,098,931 gives the same sequence; the position shown is the placement nearest the transcript's 3' end. VCF-style (leftmost placement, unchanged base first): chr5-157098909-AAGAG-A. GRCh37 (hg19) VCF-style: chr5-156525920-AAGAG-A.
Other names: c.479-12_479-9delCTCT (NM_032782.4).
Identifiers: ClinVar variation 2655989 (VCV002655989.26), dbSNP rs70984443, ClinGen allele CA3531891.